The following is an entry in ClinVar:

ClinVar aggregate classification (germline): Benign (1 of 4 stars; one submission).

Allele frequency attached by ClinVar (database versions not stated): 1000 Genomes Project 0.23602; 1000 Genomes Project 30x 0.23938; TOPMed 0.33708; gnomAD 0.35515 and 0.36290.
gnomAD v4.1: 53,998 of 152,000 alleles (36%); highest among the groups gnomAD compares: Non-Finnish European, 44%; 10,512 homozygotes.

Submission:

GeneDx
Classification: Benign. Last evaluated: 2018-06-14. Review status: criteria provided, single submitter. Criteria: GeneDx Variant Classification (06012015). Collection method: clinical testing. Allele origin: germline. Affected: yes.
Comment: This variant is considered likely benign or benign based on one or more of the following criteria: it is a conservative change, it occurs at a poorly conserved position in the protein, it is predicted to be benign by multiple in silico algorithms, and/or has population frequency not consistent with disease.

NM_025243.4(SLC19A3):c.1314+173G>A

Gene: SLC19A3 (solute carrier family 19 member 3; minus strand). Cytogenetic location: 2q36.3.
Variant type: single nucleotide variant.
Coding change: c.1314+173G>A on transcript NM_025243.4 (MANE Select); 173 bases into the intron after coding-DNA position 1314, G replaced by A.
Molecular consequence: intron variant.
Genome position (GRCh38, 1-based): chr2:227,687,993, C>T on the plus strand (G>A on the coding strand, the complement: SLC19A3 is on the minus strand). VCF-style: chr2-227687993-C-T. GRCh37 (hg19) VCF-style: chr2-228552709-C-T.
Identifiers: ClinVar variation 683861 (VCV000683861.1), dbSNP rs13025803, ClinGen allele CA66655609.